The following is an entry in ClinVar:

NM_002335.4(LRP5):c.2820_2827+4dup

Gene: LRP5 (LDL receptor related protein 5; plus strand). Cytogenetic location: 11q13.2.
Variant type: Duplication.
Coding change: c.2820_2827+4dup on transcript NM_002335.4 (MANE Select); coding-DNA position 2820 through 4 bases into the intron after coding-DNA position 2827, 12 bases duplicated (CTGCAGCCGTAA).
Molecular consequence: splice donor variant.
Genome position (GRCh38, 1-based): chr11:68,414,005-68,414,016, CTGCAGCCGTAA duplicated; duplicating any 12 consecutive bases within chr11:68,414,003-68,414,016 gives the same sequence; the c. name uses the placement nearest the transcript's 3' end. VCF-style (leftmost placement, unchanged base first): chr11-68414002-C-CAACTGCAGCCGT. GRCh37 (hg19) VCF-style: chr11-68181470-C-CAACTGCAGCCGT.
Other names: c.1077_1084+4dup (NM_001291902.2).
Identifiers: ClinVar variation 1025766 (VCV001025766.8), dbSNP rs774341563, ClinGen allele CA6149750.
Genomic context (GRCh38, chr11:68,414,002, plus strand): 5'-CATCCCCGGCGGCCACCGCTGCGGCTGCGCCTCACACTACACCCTGGACCCCAGCAGCCG[C>CAACTGCAGCCGT]AACTGCAGCCGTAAGTGCCTCATGGTCCCCCGCACCTCACTCCCTCGTTAGATCAGGCTG-3'

ClinVar aggregate classification (germline): Uncertain significance. Review status: criteria provided, multiple submitters, no conflicts (2 of 4 stars). 2 submissions from 2 submitters: Uncertain significance (2). Last evaluated 2021-12-10.

Submissions (2):

Blueprint Genetics
Classification: Uncertain significance. Last evaluated: 2021-12-10. Review status: criteria provided, single submitter. Criteria: ACMG Guidelines, 2015. Collection method: clinical testing. Allele origin: germline.

Labcorp Genetics (formerly Invitae), Labcorp
Classification: Uncertain significance. Last evaluated: 2020-02-21. Review status: criteria provided, single submitter. Criteria: Invitae Variant Classification Sherloc (09022015). Collection method: clinical testing. Allele origin: germline.
Comment: This sequence change inserts 12 nucleotides in exon 12 of the LRP5 mRNA (c.2820_2827+4dup). This leads to the insertion of 4 amino acid residue(s) in the LRP5 protein (p.Arg939_Ser942dup). but otherwise preserves the integrity of the reading frame. The frequency data for this variant in the population databases is considered unreliable, as metrics indicate poor data quality at this position in the ExAC database. This variant has not been reported in the literature in individuals with LRP5-related conditions. Experimental studies and prediction algorithms are not available or were not evaluated, and the functional significance of this variant is currently unknown. In summary, the available evidence is currently insufficient to determine the role of this variant in disease. Therefore, it has been classified as a Variant of Uncertain Significance.